The following is an entry in ClinVar:

NM_177438.3(DICER1):c.4206G>A (p.Met1402Ile)

Gene: DICER1 (dicer 1, ribonuclease III; minus strand). Cytogenetic location: 14q32.13.
Variant type: single nucleotide variant.
Coding change: c.4206G>A on transcript NM_177438.3 (MANE Select); coding-DNA position 4206, G replaced by A.
Protein change: p.Met1402Ile; replaces methionine 1402 with isoleucine.
Molecular consequence: missense variant.
Genome position (GRCh38, 1-based): chr14:95,099,780, C>T on the plus strand (G>A on the coding strand, the complement: DICER1 is on the minus strand). VCF-style: chr14-95099780-C-T. GRCh37 (hg19) VCF-style: chr14-95566117-C-T.
Other names: c.4206G>A, p.Met1402Ile (NM_001195573.1, NM_001271282.3, NM_001291628.2 and 1 more transcripts); short protein forms M1402I.
Identifiers: ClinVar variation 477190 (VCV000477190.10), dbSNP rs866519895, ClinGen allele CA390871683.

ClinVar aggregate classification (germline): Uncertain significance (1 of 4 stars; one submission).

Conditions:
DICER1-related tumor predisposition. Also called: DICER1-related pleuropulmonary blastoma cancer predisposition syndrome; DICER1 syndrome. Identifiers: Orphanet 284343, MedGen C3839822, MONDO:0100216.

Allele frequency attached by ClinVar (database versions not stated): gnomAD exomes below 0.00001.

Submission:

Labcorp Genetics (formerly Invitae), Labcorp
Classification: Uncertain significance for DICER1-related tumor predisposition. Last evaluated: 2017-06-26. Review status: criteria provided, single submitter. Criteria: Invitae Variant Classification Sherloc (09022015). Collection method: clinical testing. Allele origin: germline.
Comment: This sequence change replaces methionine with isoleucine at codon 1402 of the DICER1 protein (p.Met1402Ile). The methionine residue is weakly conserved and there is a small physicochemical difference between methionine and isoleucine. This variant also falls at the last nucleotide of exon 22 of the DICER1 coding sequence, which is part of the consensus splice site for this exon. Nucleotide substitutions within the consensus splice site are relatively common causes of aberrant splicing (PMID: 17576681, 9536098). This variant is not present in population databases (ExAC no frequency). In summary, the available evidence is currently insufficient to determine the role of this variant in disease. Therefore, it has been classified as a Variant of Uncertain Significance. Algorithms developed to predict the effect of sequence changes on RNA splicing suggest that this variant may disrupt the consensus splice site, but this prediction has not been confirmed by published transcriptional studies. Algorithms developed to predict the effect of missense changes on protein structure and function output the following: SIFT: "Tolerated"; PolyPhen-2: "Benign"; Align-GVGD: "Class C0". The isoleucine amino acid residue is found in multiple mammalian species, suggesting that this missense change does not adversely affect protein function. These predictions have not been confirmed by published functional studies and their clinical significance is uncertain. This variant has not been reported in the literature in individuals with DICER1-related disease.

Literature cited by the submitters: PubMed 17576681; PubMed 9536098.